The following is an entry in ClinVar:

ClinVar aggregate classification (germline): Uncertain significance (1 of 4 stars; one submission).

Submission:

Labcorp Genetics (formerly Invitae), Labcorp
Classification: Uncertain significance. Last evaluated: 2022-05-03. Review status: criteria provided, single submitter. Criteria: Invitae Variant Classification Sherloc (09022015). Collection method: clinical testing. Allele origin: germline.
Comment: This variant has not been reported in the literature in individuals affected with LRP5-related conditions. This variant is not present in population databases (gnomAD no frequency). This sequence change replaces asparagine, which is neutral and polar, with lysine, which is basic and polar, at codon 223 of the LRP5 protein (p.Asn223Lys). Advanced modeling of protein sequence and biophysical properties (such as structural, functional, and spatial information, amino acid conservation, physicochemical variation, residue mobility, and thermodynamic stability) performed at Invitae indicates that this missense variant is not expected to disrupt LRP5 protein function. In summary, the available evidence is currently insufficient to determine the role of this variant in disease. Therefore, it has been classified as a Variant of Uncertain Significance.

NM_002335.4(LRP5):c.669C>G (p.Asn223Lys)

Gene: LRP5 (LDL receptor related protein 5; plus strand). Cytogenetic location: 11q13.2.
Variant type: single nucleotide variant.
Coding change: c.669C>G on transcript NM_002335.4 (MANE Select); coding-DNA position 669, C replaced by G.
Protein change: p.Asn223Lys; replaces asparagine 223 with lysine.
Molecular consequence: missense variant. On other transcripts: 5 prime UTR variant (1).
Genome position (GRCh38, 1-based): chr11:68,357,830, C>G. VCF-style: chr11-68357830-C-G. GRCh37 (hg19) VCF-style: chr11-68125298-C-G.
Other names: c.-1097C>G (NM_001291902.2); short protein forms N223K.
Identifiers: ClinVar variation 2132796 (VCV002132796.4), dbSNP rs1487583044, ClinGen allele CA381612023.